The following is an entry in ClinVar:

ClinVar aggregate classification (germline): Likely benign (1 of 4 stars; one submission).

Allele frequency attached by ClinVar (database versions not stated): ExAC 0.00006.
gnomAD v4.1: 23 of 1,548,748 alleles (0.0015%); highest among the groups gnomAD compares: South Asian, 0.0048%; no homozygotes.

Submission:

CeGaT Center for Human Genetics Tuebingen
Classification: Likely benign. Last evaluated: 2024-04-01. Review status: criteria provided, single submitter. Criteria: CeGaT Center For Human Genetics Tuebingen Variant Classification Criteria Version 2. Collection method: clinical testing. Allele origin: germline. Affected: yes. Observed: 1 variant allele.
Comment: SETD1B: PP2, BP5, BS2

NM_001353345.2(SETD1B):c.1451C>T (p.Thr484Met)

Gene: SETD1B (SET domain containing 1B, histone lysine methyltransferase; plus strand). Cytogenetic location: 12q24.31.
Variant type: single nucleotide variant.
Coding change: c.1451C>T on transcript NM_001353345.2 (MANE Select); coding-DNA position 1451, C replaced by T.
Protein change: p.Thr484Met; replaces threonine 484 with methionine.
Molecular consequence: missense variant.
Genome position (GRCh38, 1-based): chr12:121,810,396, C>T. VCF-style: chr12-121810396-C-T. GRCh37 (hg19) VCF-style: chr12-122248302-C-T.
Other names: short protein forms T484M.
Identifiers: ClinVar variation 3234275 (VCV003234275.20), dbSNP rs760978203, ClinGen allele CA6838871.
Genomic context (GRCh38, chr12:121,810,396, plus strand): 5'-TGGGCGGCCGGCCCACCTTCGGCTGGAGTCCTGAGCCCTGTGACAGCCCTGGCACGCCCA[C>T]GCTGGAGTCGTCCCCTGCAGGGCCAGAGAAACCCCACGACAGCCTGGACTCGCGCATCGA-3'
Protein context (NP_001340274.1, residues 474-494): PEPCDSPGTP[Thr484Met]LESSPAGPEK